The following is an entry in ClinVar:

NM_021964.3(ZNF148):c.1621C>A (p.Leu541Met)

Genes: ZNF148 (zinc finger protein 148; minus strand), LOC126806798 (P300/CBP strongly-dependent group 1 enhancer GRCh37_chr3:124950809-124952008; plus strand). Cytogenetic location: 3q21.2.
Variant type: single nucleotide variant.
Coding change: c.1621C>A on transcript NM_021964.3 (MANE Select); coding-DNA position 1621, C replaced by A.
Protein change: p.Leu541Met; replaces leucine 541 with methionine.
Molecular consequence: missense variant.
Genome position (GRCh38, 1-based): chr3:125,233,105, G>T on the plus strand (C>A on the coding strand, the complement: ZNF148 is on the minus strand). VCF-style: chr3-125233105-G-T. GRCh37 (hg19) VCF-style: chr3-124951949-G-T.
Other names: c.1621C>A, p.Leu541Met (NM_001348424.1, NM_001348425.2, NM_001348426.2 and 7 more transcripts); c.1495C>A, p.Leu499Met (NM_001348434.2); short protein forms L499M, L541M.
Identifiers: ClinVar variation 3368684 (VCV003368684.1).
Genomic context (GRCh38, chr3:125,233,105, plus strand): 5'-TGAAGGATATCTCATGCTGTCCATTAGCTTTGTGGGAATAATGATCCAACAGAGTCTGCA[G>T]TACCTCATCTGGAATAACATTTTTGTCATGATTACTCTTAATCTCCACATTCAGTGCCTG-3'
Protein context (NP_068799.2, residues 531-551): HDKNVIPDEV[Leu541Met]QTLLDHYSHK

ClinVar aggregate classification (germline): Uncertain significance (1 of 4 stars; one submission).

Submission:

GeneDx
Classification: Uncertain significance. Last evaluated: 2024-02-04. Review status: criteria provided, single submitter. Criteria: GeneDx Variant Classification Process June 2021. Collection method: clinical testing. Allele origin: germline. Affected: yes.
Comment: Not observed at significant frequency in large population cohorts (gnomAD); In silico analysis supports that this missense variant does not alter protein structure/function; Has not been previously published as pathogenic or benign to our knowledge